The following is an entry in ClinVar:

ClinVar aggregate classification (germline): Benign/Likely benign. Review status: criteria provided, multiple submitters, no conflicts (2 of 4 stars). 6 submissions from 6 submitters: Benign (1); Likely benign (4). 1 of the submissions does not count toward it. Last evaluated 2026-04-15.

Conditions:
DICER1-related disorder. Also called: DICER1-related condition.
DICER1-related tumor predisposition. Also called: DICER1-related pleuropulmonary blastoma cancer predisposition syndrome; DICER1 syndrome. Identifiers: Orphanet 284343, MedGen C3839822, MONDO:0100216.
Hereditary cancer-predisposing syndrome. Also called: Hereditary Cancer Syndrome; Neoplastic Syndromes, Hereditary; Hereditary neoplastic syndrome; Tumor predisposition. Identifiers: Orphanet 140162, MedGen C0027672, MeSH D009386, MONDO:0015356.

Allele frequency attached by ClinVar (database versions not stated): TOPMed 0.00003; ExAC 0.00001; gnomAD 0.00002; gnomAD exomes 0.00002.
gnomAD v4.1: 51 of 1,611,270 alleles (0.0032%); highest among the groups gnomAD compares: Non-Finnish European, 0.004%; no homozygotes.

Submissions (6):

Myriad Genetics, Inc.
Classification: Benign for DICER1-related tumor predisposition. Last evaluated: 2026-04-15. Review status: criteria provided, single submitter. Criteria: Myriad Autosomal Dominant, Autosomal Recessive and X-Linked Classification Criteria (2023). Collection method: clinical testing. Allele origin: unknown.
Comment: This variant is considered benign. This variant is a silent/synonymous amino acid change and it is not expected to impact splicing.

Labcorp Genetics (formerly Invitae), Labcorp
Classification: Likely benign for DICER1-related tumor predisposition. Last evaluated: 2025-10-13. Review status: criteria provided, single submitter. Criteria: Invitae Variant Classification Sherloc (09022015). Collection method: clinical testing. Allele origin: germline.

Mayo Clinic Laboratories, Mayo Clinic
Classification: Likely benign. Last evaluated: 2025-08-27. Review status: criteria provided, single submitter. Criteria: ACMG Guidelines, 2015. Collection method: clinical testing. Allele origin: germline. Observed: 1 variant allele.
Comment: BP4, BP7

Sema4
Classification: Likely benign for Hereditary cancer-predisposing syndrome. Last evaluated: 2021-05-17. Review status: criteria provided, single submitter. Criteria: Sema4 Curation Guidelines. Collection method: curation. Allele origin: germline.

Ambry Genetics
Classification: Likely benign for Hereditary cancer-predisposing syndrome. Last evaluated: 2017-10-05. Review status: criteria provided, single submitter. Criteria: Ambry Variant Classification Scheme 2023. Collection method: clinical testing. Allele origin: germline.

PreventionGenetics, part of Exact Sciences
Classification: Likely benign for DICER1-related condition. Last evaluated: 2024-01-02. Review status: no assertion criteria provided. Collection method: clinical testing. Allele origin: germline. Not counted in ClinVar's aggregate classification.
Comment: This variant is classified as likely benign based on ACMG/AMP sequence variant interpretation guidelines (Richards et al. 2015 PMID: 25741868, with internal and published modifications).

NM_177438.3(DICER1):c.909A>G (p.Leu303=)

Gene: DICER1 (dicer 1, ribonuclease III; minus strand). Cytogenetic location: 14q32.13.
Variant type: single nucleotide variant.
Coding change: c.909A>G on transcript NM_177438.3 (MANE Select); coding-DNA position 909, A replaced by G.
Protein change: p.Leu303=; no amino-acid change (leucine 303 retained).
Molecular consequence: synonymous variant.
Genome position (GRCh38, 1-based): chr14:95,124,663, T>C on the plus strand (A>G on the coding strand, the complement: DICER1 is on the minus strand). VCF-style: chr14-95124663-T-C. GRCh37 (hg19) VCF-style: chr14-95591000-T-C.
Other names: p.Leu303=; c.909A>G, p.Leu303= (NM_001195573.1, NM_001271282.3, NM_001291628.2 and 1 more transcripts).
Identifiers: ClinVar variation 417053 (VCV000417053.21), dbSNP rs773509809, ClinGen allele CA7331546.
Genomic context (GRCh38, chr14:95,124,663, plus strand): 5'-TCCAGCTACTTTATCTGCACACCAGGGTCCCAGAACTACCAATACGGCACGACAGTCTGA[T>C]AGTATCTACAAAAAAAAGAAAAGAAAAAACCTAATGCCAAATAATAATAATGTAGCATTT-3'
Protein context (NP_803187.1, residues 293-313): RDSTLISKQI[Leu303=]SDCRAVLVVL